The following is an entry in ClinVar:

NM_000264.5(PTCH1):c.242C>G (p.Ala81Gly)

Gene: PTCH1 (patched 1; minus strand). Cytogenetic location: 9q22.32.
Variant type: single nucleotide variant.
Coding change: c.242C>G on transcript NM_000264.5 (MANE Select); coding-DNA position 242, C replaced by G.
Protein change: p.Ala81Gly; replaces alanine 81 with glycine.
Molecular consequence: missense variant. On other transcripts: non-coding transcript variant (1), 5 prime UTR variant (4).
Genome position (GRCh38, 1-based): chr9:95,506,559, G>C on the plus strand (C>G on the coding strand, the complement: PTCH1 is on the minus strand). VCF-style: chr9-95506559-G-C. GRCh37 (hg19) VCF-style: chr9-98268841-G-C.
Other names: c.44C>G, p.Ala15Gly (NM_001354919.2, NM_001083602.3); c.239C>G, p.Ala80Gly (NM_001083603.3); c.-212C>G (NM_001083604.3, NM_001083605.3, NM_001083606.3 and 1 more transcripts); c.242C>G, p.Ala81Gly (NM_001354918.2); short protein forms A15G, A80G, A81G.
Identifiers: ClinVar variation 854446 (VCV000854446.11), dbSNP rs1843664597, ClinGen allele CA374120581.

ClinVar aggregate classification (germline): Uncertain significance. Review status: criteria provided, multiple submitters, no conflicts (2 of 4 stars). 2 submissions from 2 submitters: Uncertain significance (2). Last evaluated 2024-09-16.

Conditions:
Hereditary cancer-predisposing syndrome. Also called: Neoplastic Syndromes, Hereditary; Hereditary Cancer Syndrome; Hereditary neoplastic syndrome; Tumor predisposition. Identifiers: Orphanet 140162, MedGen C0027672, MeSH D009386, MONDO:0015356.
Gorlin syndrome. Also called: Nevoid Basal Cell Carcinoma Syndrome; Basal cell nevus syndrome. Identifiers: Orphanet 377, MedGen C0004779, MONDO:0007187.

Submissions (2):

Ambry Genetics
Classification: Uncertain significance for Hereditary cancer-predisposing syndrome. Last evaluated: 2024-09-16. Review status: criteria provided, single submitter. Criteria: Ambry Variant Classification Scheme 2023. Collection method: clinical testing. Allele origin: germline.
Comment: The p.A81G variant (also known as c.242C>G), located in coding exon 2 of the PTCH1 gene, results from a C to G substitution at nucleotide position 242. The alanine at codon 81 is replaced by glycine, an amino acid with similar properties. This amino acid position is conserved. In addition, the in silico prediction for this alteration is inconclusive. Based on the available evidence, the clinical significance of this variant remains unclear.

Labcorp Genetics (formerly Invitae), Labcorp
Classification: Uncertain significance for Gorlin syndrome. Last evaluated: 2019-04-05. Review status: criteria provided, single submitter. Criteria: Invitae Variant Classification Sherloc (09022015). Collection method: clinical testing. Allele origin: germline.
Comment: This sequence change replaces alanine with glycine at codon 81 of the PTCH1 protein (p.Ala81Gly). The alanine residue is moderately conserved and there is a small physicochemical difference between alanine and glycine. This variant is not present in population databases (ExAC no frequency). In summary, the available evidence is currently insufficient to determine the role of this variant in disease. Therefore, it has been classified as a Variant of Uncertain Significance. Algorithms developed to predict the effect of missense changes on protein structure and function are either unavailable or do not agree on the potential impact of this missense change (SIFT: "Tolerated"; PolyPhen-2: "Possibly Damaging"; Align-GVGD: "Class C0"). This variant has not been reported in the literature in individuals with PTCH1-related conditions.